The following is an entry in ClinVar:

ClinVar aggregate classification (germline): Conflicting classifications of pathogenicity. Review status: criteria provided, conflicting classifications (1 of 4 stars). 4 submissions from 4 submitters: Uncertain significance (2); Likely benign (2). Last evaluated 2025-04-09.

Conditions:
Cardiovascular phenotype. Identifiers: MedGen CN230736.

Allele frequency attached by ClinVar (database versions not stated): gnomAD 0.00001 and 0.00003; ExAC 0.00002; gnomAD exomes 0.00002; TOPMed 0.00005; ESP Exome Variant Server 0.00008; 1000 Genomes Project 30x 0.00016; 1000 Genomes Project 0.00020.
gnomAD v4.1: 30 of 1,613,892 alleles (0.0019%); highest among the groups gnomAD compares: South Asian, 0.0066%; no homozygotes.

Submissions (4):

Molecular Diagnostic Laboratory for Inherited Cardiovascular Disease, Montreal Heart Institute
Classification: Likely benign. Last evaluated: 2025-04-09. Review status: criteria provided, single submitter. Criteria: ACMG Guidelines, 2015. Collection method: clinical testing. Allele origin: germline. Affected: no.
Comment: BP1

Blueprint Genetics
Classification: Likely benign. Last evaluated: 2023-06-30. Review status: criteria provided, single submitter. Criteria: ACMG Guidelines, 2015. Collection method: clinical testing. Allele origin: germline.

Ambry Genetics
Classification: Uncertain significance for Cardiovascular phenotype. Last evaluated: 2020-08-27. Review status: criteria provided, single submitter. Criteria: Ambry Variant Classification Scheme 2023. Collection method: clinical testing. Allele origin: germline.
Comment: The p.S367P variant (also known as c.1099T>C), located in coding exon 6 of the TTN gene, results from a T to C substitution at nucleotide position 1099. The serine at codon 367 is replaced by proline, an amino acid with similar properties. This amino acid position is not well conserved in available vertebrate species. In addition, this alteration is predicted to be tolerated by in silico analysis. Since supporting evidence is limited at this time, the clinical significance of this alteration remains unclear.

Revvity Omics, Revvity
Classification: Uncertain significance. Last evaluated: 2020-04-03. Review status: criteria provided, single submitter. Criteria: ACMG Guidelines, 2015. Collection method: clinical testing. Allele origin: germline.

NM_001267550.2(TTN):c.1099T>C (p.Ser367Pro)

Gene: TTN (titin; minus strand). Cytogenetic location: 2q31.2.
Variant type: single nucleotide variant.
Coding change: c.1099T>C on transcript NM_001267550.2 (MANE Select); coding-DNA position 1099, T replaced by C.
Protein change: p.Ser367Pro; replaces serine 367 with proline.
Molecular consequence: missense variant.
Genome position (GRCh38, 1-based): chr2:178,795,068, A>G on the plus strand (T>C on the coding strand, the complement: TTN is on the minus strand). VCF-style: chr2-178795068-A-G. GRCh37 (hg19) VCF-style: chr2-179659795-A-G.
Other names: c.1099T>C, p.Ser367Pro (NM_001256850.1, NM_003319.4, NM_133378.4 and 3 more transcripts); short protein forms S367P.
Identifiers: ClinVar variation 1791633 (VCV001791633.7), dbSNP rs376015894, ClinGen allele CA2006141.
Genomic context (GRCh38, chr2:178,795,068, plus strand): 5'-TCACTTGCTCCTGGACACCGTATCTCCCTTCCCATCTCTCTTCTGTCCTGATCTGAGTAG[A>G]GGTTGTCAGCGTTGTCTCTCTCATCTCAGCCTCAGATGAGGAGGCCACGTAGCCCTCTTG-3'
Protein context (NP_001254479.2, residues 357-377): AEMRETTLTT[Ser367Pro]TQIRTEERWE